The following is an entry in ClinVar:

NM_000059.4(BRCA2):c.8333T>C (p.Ile2778Thr)

Gene: BRCA2 (BRCA2 DNA repair associated; plus strand). Cytogenetic location: 13q13.1.
Variant type: single nucleotide variant.
Coding change: c.8333T>C on transcript NM_000059.4 (MANE Select); coding-DNA position 8333, T replaced by C.
Protein change: p.Ile2778Thr; replaces isoleucine 2778 with threonine.
Molecular consequence: missense variant. On other transcripts: non-coding transcript variant (1).
Genome position (GRCh38, 1-based): chr13:32,370,403, T>C. VCF-style: chr13-32370403-T-C. GRCh37 (hg19) VCF-style: chr13-32944540-T-C.
Other names: c.8237T>C, p.Ile2746Thr (NM_001406719.1); c.8333T>C, p.Ile2778Thr (NM_001406720.1, NM_001432077.1); c.3401T>C, p.Ile1134Thr (NM_001406721.1); c.1916T>C, p.Ile639Thr (NM_001406722.1); short protein forms I2778T, I639T, I1134T, I2746T.
Identifiers: ClinVar variation 4215925 (VCV004215925.1).
Genomic context (GRCh38, chr13:32,370,403, plus strand): 5'-TGTAATAGAATTGAATACATATTTAACTACTAAATCAATATATTTATTAATTTGTCCAGA[T>C]TTCTGCTAACAGTACTCGGCCTGCTCGCTGGTATACCAAACTTGGATTCTTTCCTGACCC-3'
Protein context (NP_000050.3, residues 2768-2788): LEAPESLMLK[Ile2778Thr]SANSTRPARW

ClinVar aggregate classification (germline): Uncertain significance (1 of 4 stars; one submission).

Conditions:
Hereditary cancer-predisposing syndrome. Also called: Hereditary Cancer Syndrome; Hereditary neoplastic syndrome; Neoplastic Syndromes, Hereditary; Tumor predisposition. Identifiers: Orphanet 140162, MedGen C0027672, MeSH D009386, MONDO:0015356.

Submission:

Ambry Genetics
Classification: Uncertain significance for Hereditary cancer-predisposing syndrome. Last evaluated: 2025-09-04. Review status: criteria provided, single submitter. Criteria: Ambry Variant Classification Scheme 2023. Collection method: clinical testing. Allele origin: germline.
Comment: The p.I2778T variant (also known as c.8333T>C), located in coding exon 18 of the BRCA2 gene, results from a T to C substitution at nucleotide position 8333. The isoleucine at codon 2778 is replaced by threonine, an amino acid with similar properties. Two saturation genome editing-based studies, including a haploid cell-survival assay and a humanized mouse embryonic stem cell line assay of drug response and survival, demonstrate that this nucleotide substitution is functional (Huang H et al. Nature. 2025 Feb;638(8050):528-537; Sahu S et al. Nature. 2025 Feb;638(8050):538-545). This amino acid position is highly conserved in available vertebrate species. In addition, this alteration is predicted to be deleterious by in silico analysis. Based on the available evidence, the clinical significance of this variant remains unclear.